The following is an entry in ClinVar:

NM_000158.4(GBE1):c.1333C>T (p.Gln445Ter)

Gene: GBE1 (1,4-alpha-glucan branching enzyme 1; minus strand). Cytogenetic location: 3p12.2.
Variant type: single nucleotide variant.
Coding change: c.1333C>T on transcript NM_000158.4 (MANE Select); coding-DNA position 1333, C replaced by T.
Protein change: p.Gln445Ter; replaces glutamine 445 with a stop codon.
Molecular consequence: nonsense.
Genome position (GRCh38, 1-based): chr3:81,586,094, G>A on the plus strand (C>T on the coding strand, the complement: GBE1 is on the minus strand). VCF-style: chr3-81586094-G-A. GRCh37 (hg19) VCF-style: chr3-81635245-G-A.
Other names: short protein forms Q445*.
Identifiers: ClinVar variation 1440888 (VCV001440888.6), dbSNP rs1703799803, ClinGen allele CA353685208.

ClinVar aggregate classification (germline): Pathogenic (1 of 4 stars; one submission).

Conditions:
Glycogen storage disease IV, classic hepatic. Also called: GSD IV, CLASSIC HEPATIC. Identifiers: MedGen C1856301.
Glycogen storage disease, type IV (GSD4). Also called: AMYLOPECTINOSIS; ANDERSEN DISEASE; BRANCHER DEFICIENCY; CIRRHOSIS, FAMILIAL, WITH DEPOSITION OF ABNORMAL GLYCOGEN; Glycogen storage disease due to glycogen branching enzyme deficiency; GBE1 DEFICIENCY. Identifiers: Orphanet 367, MedGen C0017923, MONDO:0009292, OMIM 232500.

gnomAD v4.1: 1 of 1,591,398 alleles (0.000063%); highest among the groups gnomAD compares: Non-Finnish European, 0.000086%; no homozygotes.

Submission:

Labcorp Genetics (formerly Invitae), Labcorp
Classification: Pathogenic for Glycogen storage disease, type IV; Glycogen storage disease IV, classic hepatic. Last evaluated: 2020-11-06. Review status: criteria provided, single submitter. Criteria: Invitae Variant Classification Sherloc (09022015). Collection method: clinical testing. Allele origin: germline.
Comment: This variant is not present in population databases (ExAC no frequency). For these reasons, this variant has been classified as Pathogenic. This variant has not been reported in the literature in individuals with GBE1-related conditions. This sequence change creates a premature translational stop signal (p.Gln445*) in the GBE1 gene. It is expected to result in an absent or disrupted protein product. Loss-of-function variants in GBE1 are known to be pathogenic (PMID: 15452297, 20058079).

Literature cited by the submitters: PubMed 15452297; PubMed 20058079.